The following is an entry in ClinVar:

NM_199420.4(POLQ):c.3760G>T (p.Ala1254Ser)

Gene: POLQ (DNA polymerase theta; minus strand). Cytogenetic location: 3q13.33.
Variant type: single nucleotide variant.
Coding change: c.3760G>T on transcript NM_199420.4 (MANE Select); coding-DNA position 3760, G replaced by T.
Protein change: p.Ala1254Ser; replaces alanine 1254 with serine.
Molecular consequence: missense variant.
Genome position (GRCh38, 1-based): chr3:121,489,171, C>A on the plus strand (G>T on the coding strand, the complement: POLQ is on the minus strand). VCF-style: chr3-121489171-C-A. GRCh37 (hg19) VCF-style: chr3-121208018-C-A.
Other names: short protein forms A1254S.
Identifiers: ClinVar variation 1734676 (VCV001734676.3), dbSNP rs1224080599, ClinGen allele CA354097435.
Genomic context (GRCh38, chr3:121,489,171, plus strand): 5'-CTCCAGCTGATGGAAGTACTTCACTGGGTATCACAGTTCTGCTTATATCATCTCCTAATG[C>A]CTGAAAATGACTTGGTTTATTTTCCTCTGTATTAAGCTTTATCCTTTCACAATTGATAGT-3'
Protein context (NP_955452.3, residues 1244-1264): TEENKPSHFQ[Ala1254Ser]LGDDISRTVI

ClinVar aggregate classification (germline): Uncertain significance (1 of 4 stars; one submission).

Allele frequency attached by ClinVar (database versions not stated): TOPMed below 0.00001.

Submission:

Ambry Genetics
Classification: Uncertain significance. Last evaluated: 2024-08-07. Review status: criteria provided, single submitter. Criteria: Ambry Variant Classification Scheme 2023. Collection method: clinical testing. Allele origin: germline.
Comment: The p.A1254S variant (also known as c.3760G>T), located in coding exon 16 of the POLQ gene, results from a G to T substitution at nucleotide position 3760. The alanine at codon 1254 is replaced by serine, an amino acid with similar properties. This amino acid position is conserved. In addition, this alteration is predicted to be tolerated by in silico analysis. Since supporting evidence is limited at this time, the clinical significance of this alteration remains unclear.